The following is an entry in ClinVar:

NM_001035.3(RYR2):c.4846G>C (p.Gly1616Arg)

Gene: RYR2 (ryanodine receptor 2; plus strand). Cytogenetic location: 1q43.
Variant type: single nucleotide variant.
Coding change: c.4846G>C on transcript NM_001035.3 (MANE Select); coding-DNA position 4846, G replaced by C.
Protein change: p.Gly1616Arg; replaces glycine 1616 with arginine.
Molecular consequence: missense variant.
Genome position (GRCh38, 1-based): chr1:237,610,924, G>C. VCF-style: chr1-237610924-G-C. GRCh37 (hg19) VCF-style: chr1-237774224-G-C.
Other names: short protein forms G1616R.
Identifiers: ClinVar variation 4691710 (VCV004691710.1).

ClinVar aggregate classification (germline): Uncertain significance (1 of 4 stars; one submission).

Conditions:
Catecholaminergic polymorphic ventricular tachycardia 1. Also called: RYR2-Related Catecholaminergic Polymorphic Ventricular Tachycardia; VENTRICULAR TACHYCARDIA, STRESS-INDUCED POLYMORPHIC 1; VENTRICULAR TACHYCARDIA, CATECHOLAMINERGIC POLYMORPHIC, 1, WITH OR WITHOUT ATRIAL DYSFUNCTION AND/OR DILATED CARDIOMYOPATHY. Identifiers: Orphanet 3286, MedGen C1631597, MONDO:0011484, OMIM 604772.

Submission:

Labcorp Genetics (formerly Invitae), Labcorp
Classification: Uncertain significance for Catecholaminergic polymorphic ventricular tachycardia 1. Last evaluated: 2025-04-30. Review status: criteria provided, single submitter. Criteria: Invitae Variant Classification Sherloc (09022015). Collection method: clinical testing. Allele origin: germline.
Comment: This sequence change replaces glycine, which is neutral and non-polar, with arginine, which is basic and polar, at codon 1616 of the RYR2 protein (p.Gly1616Arg). This variant is not present in population databases (gnomAD no frequency). This variant has not been reported in the literature in individuals affected with RYR2-related conditions. Invitae Evidence Modeling of protein sequence and biophysical properties (such as structural, functional, and spatial information, amino acid conservation, physicochemical variation, residue mobility, and thermodynamic stability) indicates that this missense variant is expected to disrupt RYR2 protein function with a positive predictive value of 95%. In summary, the available evidence is currently insufficient to determine the role of this variant in disease. Therefore, it has been classified as a Variant of Uncertain Significance.